The following is an entry in ClinVar:

NM_005523.6(HOXA11):c.169G>A (p.Val57Met)

Genes: HOXA11 (homeobox A11; minus strand), LOC107126281 (NUP98-HOXA11 recombination region; plus strand). Cytogenetic location: 7p15.2.
Variant type: single nucleotide variant.
Coding change: c.169G>A on transcript NM_005523.6 (MANE Select); coding-DNA position 169, G replaced by A.
Protein change: p.Val57Met; replaces valine 57 with methionine.
Molecular consequence: missense variant.
Genome position (GRCh38, 1-based): chr7:27,184,976, C>T on the plus strand (G>A on the coding strand, the complement: HOXA11 is on the minus strand). VCF-style: chr7-27184976-C-T. GRCh37 (hg19) VCF-style: chr7-27224595-C-T.
Other names: short protein forms V57M.
Identifiers: ClinVar variation 2636348 (VCV002636348.1), dbSNP rs2115463165, ClinGen allele CA367107426.

ClinVar aggregate classification (germline): Uncertain significance (1 of 4 stars; one submission).

Conditions:
HOXA11-related disorder. Also called: HOXA11-related condition.

Submission:

PreventionGenetics, part of Exact Sciences
Classification: Uncertain significance for HOXA11-related condition. Last evaluated: 2022-08-19. Review status: criteria provided, single submitter. Criteria: ACMG Guidelines, 2015. Collection method: clinical testing. Allele origin: germline.
Comment: The HOXA11 c.169G>A variant is predicted to result in the amino acid substitution p.Val57Met. To our knowledge, this variant has not been reported in the literature or in a large population database, indicating this variant is rare. At this time, the clinical significance of this variant is uncertain due to the absence of conclusive functional and genetic evidence.